The following is an entry in ClinVar:

NM_001621.5(AHR):c.2488C>T (p.Leu830Phe)

Gene: AHR (aryl hydrocarbon receptor; plus strand). Cytogenetic location: 7p21.1.
Variant type: single nucleotide variant.
Coding change: c.2488C>T on transcript NM_001621.5 (MANE Select); coding-DNA position 2488, C replaced by T.
Protein change: p.Leu830Phe; replaces leucine 830 with phenylalanine.
Molecular consequence: missense variant.
Genome position (GRCh38, 1-based): chr7:17,343,005, C>T. VCF-style: chr7-17343005-C-T. GRCh37 (hg19) VCF-style: chr7-17382629-C-T.
Other names: short protein forms L830F.
Identifiers: ClinVar variation 1046491 (VCV001046491.8), dbSNP rs1782442655, ClinGen allele CA366897491.

ClinVar aggregate classification (germline): Uncertain significance (1 of 4 stars; one submission).

Submission:

Labcorp Genetics (formerly Invitae), Labcorp
Classification: Uncertain significance. Last evaluated: 2020-03-15. Review status: criteria provided, single submitter. Criteria: Invitae Variant Classification Sherloc (09022015). Collection method: clinical testing. Allele origin: germline.
Comment: Algorithms developed to predict the effect of missense changes on protein structure and function output the following: SIFT: "Tolerated"; PolyPhen-2: "Benign"; Align-GVGD: "Class C0". The phenylalanine amino acid residue is found in multiple mammalian species, suggesting that this missense change does not adversely affect protein function. These predictions have not been confirmed by published functional studies and their clinical significance is uncertain. This variant has not been reported in the literature in individuals with AHR-related conditions. This variant is not present in population databases (ExAC no frequency). This sequence change replaces leucine with phenylalanine at codon 830 of the AHR protein (p.Leu830Phe). The leucine residue is weakly conserved and there is a small physicochemical difference between leucine and phenylalanine. In summary, the available evidence is currently insufficient to determine the role of this variant in disease. Therefore, it has been classified as a Variant of Uncertain Significance.